The following is an entry in ClinVar:

NM_006918.5(SC5D):c.656T>C (p.Leu219Ser)

Gene: SC5D (sterol-C5-desaturase; plus strand). Cytogenetic location: 11q24.1.
Variant type: single nucleotide variant.
Coding change: c.656T>C on transcript NM_006918.5 (MANE Select); coding-DNA position 656, T replaced by C.
Protein change: p.Leu219Ser; replaces leucine 219 with serine.
Molecular consequence: missense variant.
Genome position (GRCh38, 1-based): chr11:121,307,268, T>C. VCF-style: chr11-121307268-T-C. GRCh37 (hg19) VCF-style: chr11-121177977-T-C.
Other names: c.656T>C, p.Leu219Ser (NM_001024956.3); short protein forms L219S.
Identifiers: ClinVar variation 1333349 (VCV001333349.1), dbSNP rs2134270945, ClinGen allele CA383030195.
Genomic context (GRCh38, chr11:121,307,268, plus strand): 5'-TCTTGGTTAATATCTGGACAATTTCCATTCATGACGGTGATTTTCGTGTCCCCCAAATCT[T>C]ACAGCCATTTATTAATGGCTCAGCTCATCATACAGACCACCATATGTTCTTTGACTATAA-3'
Protein context (NP_008849.2, residues 209-229): HDGDFRVPQI[Leu219Ser]QPFINGSAHH

ClinVar aggregate classification (germline): Uncertain significance (1 of 4 stars; one submission).

Conditions:
Lathosterolosis. Also called: SC5D DEFICIENCY; STEROL C5-DESATURASE DEFICIENCY. Identifiers: Orphanet 46059, MedGen C1846421, MONDO:0011816, OMIM 607330.

Submission:

3billion
Classification: Uncertain significance for Lathosterolosis. Last evaluated: 2022-01-03. Review status: criteria provided, single submitter. Criteria: ACMG Guidelines, 2015. Collection method: clinical testing. Allele origin: germline. Affected: yes. Observed: 1 homozygote.
Comment: The variant not observed in the gnomAD v2.1.1 dataset (PM2_M). In silico tool predictions suggest damaging effect of the variant on gene or gene product (REVEL: 0.649, PP3_P). A missense variant is a common mechanism associated with Lathosterolosis (PP2_P). Therefore, this variant is classified as uncertain significance according to the recommendation of ACMG/AMP guideline.